The following is an entry in ClinVar:

ClinVar aggregate classification (germline): Uncertain significance. Review status: criteria provided, multiple submitters, no conflicts (2 of 4 stars). 2 submissions from 2 submitters: Uncertain significance (2). Last evaluated 2024-07-23.

Conditions:
Marfan syndrome (MFS). Also called: Marfan syndrome type 1; Marfan's syndrome; FBN1-Related Marfan Syndrome; MARFAN SYNDROME, TYPE I; Marfan syndrome, classic. Identifiers: Orphanet 284963, Orphanet 558, MedGen C0024796, MONDO:0007947, OMIM 154700.
Familial thoracic aortic aneurysm and aortic dissection (TAAD). Also called: Thoracic aortic aneurysms and dissections. Identifiers: Orphanet 91387, MedGen C4707243, MONDO:0019625.

Submissions (2):

Labcorp Genetics (formerly Invitae), Labcorp
Classification: Uncertain significance for Marfan syndrome; Familial thoracic aortic aneurysm and aortic dissection. Last evaluated: 2024-07-23. Review status: criteria provided, single submitter. Criteria: Invitae Variant Classification Sherloc (09022015). Collection method: clinical testing. Allele origin: germline.
Comment: This sequence change replaces aspartic acid, which is acidic and polar, with valine, which is neutral and non-polar, at codon 2757 of the FBN1 protein (p.Asp2757Val). This variant is not present in population databases (gnomAD no frequency). This variant has not been reported in the literature in individuals affected with FBN1-related conditions. ClinVar contains an entry for this variant (Variation ID: 1307861). Advanced modeling of protein sequence and biophysical properties (such as structural, functional, and spatial information, amino acid conservation, physicochemical variation, residue mobility, and thermodynamic stability) performed at Invitae indicates that this missense variant is expected to disrupt FBN1 protein function with a positive predictive value of 95%. In summary, the available evidence is currently insufficient to determine the role of this variant in disease. Therefore, it has been classified as a Variant of Uncertain Significance.

GeneDx
Classification: Uncertain significance. Last evaluated: 2019-08-08. Review status: criteria provided, single submitter. Criteria: GeneDx Variant Classification Process June 2021. Collection method: clinical testing. Allele origin: germline. Affected: yes.
Comment: Has not been previously published as pathogenic or benign to our knowledge; Not observed in large population cohorts (Lek et al., 2016); In silico analysis, which includes protein predictors and evolutionary conservation, supports a deleterious effect; Does not affect a cysteine residue within a calcium-binding EGF-like domain of the FBN1 gene; cysteine substitutions in the calcium-binding EGF-like domains represent the majority of pathogenic missense changes associated with FBN1-related disorders (Collod-Beroud et al., 2003)

NM_000138.5(FBN1):c.8270A>T (p.Asp2757Val)

Gene: FBN1 (fibrillin 1; minus strand). Cytogenetic location: 15q21.1.
Variant type: single nucleotide variant.
Coding change: c.8270A>T on transcript NM_000138.5 (MANE Select); coding-DNA position 8270, A replaced by T.
Protein change: p.Asp2757Val; replaces aspartic acid 2757 with valine.
Molecular consequence: missense variant.
Genome position (GRCh38, 1-based): chr15:48,411,336, T>A on the plus strand (A>T on the coding strand, the complement: FBN1 is on the minus strand). VCF-style: chr15-48411336-T-A. GRCh37 (hg19) VCF-style: chr15-48703533-T-A.
Other names: short protein forms D2757V.
Identifiers: ClinVar variation 1307861 (VCV001307861.6), dbSNP rs1060501088, ClinGen allele CA392319996.